The following is an entry in ClinVar:

NM_015189.3(EXOC6B):c.1255G>A (p.Val419Ile)

Gene: EXOC6B (exocyst complex component 6B; minus strand). Cytogenetic location: 2p13.2.
Variant type: single nucleotide variant.
Coding change: c.1255G>A on transcript NM_015189.3 (MANE Select); coding-DNA position 1255, G replaced by A.
Protein change: p.Val419Ile; replaces valine 419 with isoleucine.
Molecular consequence: missense variant. On other transcripts: non-coding transcript variant (2).
Genome position (GRCh38, 1-based): chr2:72,498,536, C>T on the plus strand (G>A on the coding strand, the complement: EXOC6B is on the minus strand). VCF-style: chr2-72498536-C-T. GRCh37 (hg19) VCF-style: chr2-72725665-C-T.
Other names: c.1255G>A, p.Val419Ile (NM_001321729.2, NM_001321730.2, NM_001321731.2 and 1 more transcripts); c.916G>A, p.Val306Ile (NM_001321734.2); short protein forms V419I, V306I.
Identifiers: ClinVar variation 1395382 (VCV001395382.6), dbSNP rs2105580839, ClinGen allele CA347429891.

ClinVar aggregate classification (germline): Uncertain significance (1 of 4 stars; one submission).

Allele frequency attached by ClinVar (database versions not stated): gnomAD exomes below 0.00001.
gnomAD v4.1: 1 of 1,609,228 alleles (0.000062%); highest among the groups gnomAD compares: Non-Finnish European, 0.000085%; no homozygotes.

Submission:

Labcorp Genetics (formerly Invitae), Labcorp
Classification: Uncertain significance. Last evaluated: 2021-05-16. Review status: criteria provided, single submitter. Criteria: Invitae Variant Classification Sherloc (09022015). Collection method: clinical testing. Allele origin: germline.
Comment: In summary, the available evidence is currently insufficient to determine the role of this variant in disease. Therefore, it has been classified as a Variant of Uncertain Significance. This sequence change replaces valine with isoleucine at codon 419 of the EXOC6B protein (p.Val419Ile). The valine residue is highly conserved and there is a small physicochemical difference between valine and isoleucine. This variant is not present in population databases (ExAC no frequency). This variant has not been reported in the literature in individuals with EXOC6B-related conditions. Experimental studies and prediction algorithms are not available or were not evaluated, and the functional significance of this variant is currently unknown.